The following is an entry in ClinVar:

NM_001127208.3(TET2):c.2543C>A (p.Thr848Asn)

Genes: TET2 (tet methylcytosine dioxygenase 2; plus strand), TET2-AS1 (TET2 antisense RNA 1; minus strand). Cytogenetic location: 4q24.
Variant type: single nucleotide variant.
Coding change: c.2543C>A on transcript NM_001127208.3 (MANE Select); coding-DNA position 2543, C replaced by A.
Protein change: p.Thr848Asn; replaces threonine 848 with asparagine.
Molecular consequence: missense variant.
Genome position (GRCh38, 1-based): chr4:105,236,485, C>A. VCF-style: chr4-105236485-C-A. GRCh37 (hg19) VCF-style: chr4-106157642-C-A.
Other names: c.2543C>A, p.Thr848Asn (NM_017628.4); short protein forms T848N.
Identifiers: ClinVar variation 3806092 (VCV003806092.1).
Genomic context (GRCh38, chr4:105,236,485, plus strand): 5'-GCAAAATACAGGTTTCTTGTTCAAACAATACACACCTAGTTTCAGAGAATAAAGAACAGA[C>A]TACACATCCTGAACTTTTTGCAGGAAACAAGACCCAAAACTTGCATCACATGCAATATTT-3'
Protein context (NP_001120680.1, residues 838-858): THLVSENKEQ[Thr848Asn]THPELFAGNK

ClinVar aggregate classification (germline): Uncertain significance (1 of 4 stars; one submission).

Submission:

Ambry Genetics
Classification: Uncertain significance. Last evaluated: 2025-02-26. Review status: criteria provided, single submitter. Criteria: Ambry Variant Classification Scheme 2023. Collection method: clinical testing. Allele origin: germline.
Comment: The p.T848N variant (also known as c.2543C>A), located in coding exon 1 of the TET2 gene, results from a C to A substitution at nucleotide position 2543. The threonine at codon 848 is replaced by asparagine, an amino acid with similar properties. This amino acid position is conserved. In addition, this alteration is predicted to be tolerated by in silico analysis. Based on the available evidence, the clinical significance of this variant remains unclear.